The following is an entry in ClinVar:

NM_003014.4(SFRP4):c.947C>A (p.Pro316Gln)

Gene: SFRP4 (secreted frizzled related protein 4; minus strand). Cytogenetic location: 7p14.1.
Variant type: single nucleotide variant.
Coding change: c.947C>A on transcript NM_003014.4 (MANE Select); coding-DNA position 947, C replaced by A.
Protein change: p.Pro316Gln; replaces proline 316 with glutamine.
Molecular consequence: missense variant.
Genome position (GRCh38, 1-based): chr7:37,907,573, G>T on the plus strand (C>A on the coding strand, the complement: SFRP4 is on the minus strand). VCF-style: chr7-37907573-G-T. GRCh37 (hg19) VCF-style: chr7-37947175-G-T.
Other names: c.947C>A (NM_003014.3); short protein forms P316Q.
Identifiers: ClinVar variation 1377522 (VCV001377522.6), dbSNP rs147145122, ClinGen allele CA4222672.

ClinVar aggregate classification (germline): Uncertain significance. Review status: criteria provided, multiple submitters, no conflicts (2 of 4 stars). 3 submissions from 3 submitters: Uncertain significance (3). Last evaluated 2025-01-21.

Conditions:
Inborn genetic diseases. Identifiers: MedGen C0950123, MeSH D030342.

Allele frequency attached by ClinVar (database versions not stated): 1000 Genomes Project 0.00040; 1000 Genomes Project 30x 0.00047; ExAC 0.00048; gnomAD exomes 0.00058; gnomAD 0.00077 and 0.00078; ESP Exome Variant Server 0.00085; TOPMed 0.00096.
gnomAD v4.1: 2,085 of 1,613,730 alleles (0.13%); highest among the groups gnomAD compares: Non-Finnish European, 0.16%; 5 homozygotes.

Submissions (3):

Labcorp Genetics (formerly Invitae), Labcorp
Classification: Uncertain significance. Last evaluated: 2025-01-21. Review status: criteria provided, single submitter. Criteria: Invitae Variant Classification Sherloc (09022015). Collection method: clinical testing. Allele origin: germline.
Comment: This sequence change replaces proline, which is neutral and non-polar, with glutamine, which is neutral and polar, at codon 316 of the SFRP4 protein (p.Pro316Gln). This variant is present in population databases (rs147145122, gnomAD 0.09%), and has an allele count higher than expected for a pathogenic variant. This variant has not been reported in the literature in individuals affected with SFRP4-related conditions. ClinVar contains an entry for this variant (Variation ID: 1377522). An algorithm developed to predict the effect of missense changes on protein structure and function (PolyPhen-2) suggests that this variant¬†is likely to be tolerated. In summary, the available evidence is currently insufficient to determine the role of this variant in disease. Therefore, it has been classified as a Variant of Uncertain Significance.

Ambry Genetics
Classification: Uncertain significance for Inborn genetic diseases. Last evaluated: 2021-07-09. Review status: criteria provided, single submitter. Criteria: Ambry Variant Classification Scheme 2023. Collection method: clinical testing. Allele origin: germline.

Breakthrough Genomics
Classification: Uncertain significance. Review status: criteria provided, single submitter. Criteria: ACMG Guidelines, 2015. Collection method: not provided. Allele origin: germline. Inheritance: Autosomal recessive inheritance. Affected: yes.